The following is an entry in ClinVar:

ClinVar aggregate classification (germline): Uncertain significance (1 of 4 stars; one submission).

Conditions:
Cardiovascular phenotype. Identifiers: MedGen CN230736.

gnomAD v4.1: 1 of 1,614,176 alleles (0.000062%); highest among the groups gnomAD compares: Non-Finnish European, 0.000085%; no homozygotes.

Submission:

Ambry Genetics
Classification: Uncertain significance for Cardiovascular phenotype. Last evaluated: 2024-01-23. Review status: criteria provided, single submitter. Criteria: Ambry Variant Classification Scheme 2023. Collection method: clinical testing. Allele origin: germline.
Comment: The p.L1614V variant (also known as c.4840C>G), located in coding exon 27 of the SCN10A gene, results from a C to G substitution at nucleotide position 4840. The leucine at codon 1614 is replaced by valine, an amino acid with highly similar properties. This amino acid position is conserved. In addition, this alteration is predicted to be deleterious by in silico analysis. Based on the available evidence, the clinical significance of this alteration remains unclear.

NM_006514.4(SCN10A):c.4840C>G (p.Leu1614Val)

Gene: SCN10A (sodium voltage-gated channel alpha subunit 10; minus strand). Cytogenetic location: 3p22.2.
Variant type: single nucleotide variant.
Coding change: c.4840C>G on transcript NM_006514.4 (MANE Select); coding-DNA position 4840, C replaced by G.
Protein change: p.Leu1614Val; replaces leucine 1614 with valine.
Molecular consequence: missense variant.
Genome position (GRCh38, 1-based): chr3:38,698,380, G>C on the plus strand (C>G on the coding strand, the complement: SCN10A is on the minus strand). VCF-style: chr3-38698380-G-C. GRCh37 (hg19) VCF-style: chr3-38739871-G-C.
Other names: c.4837C>G, p.Leu1613Val (NM_001293306.2); c.4546C>G, p.Leu1516Val (NM_001293307.2); short protein forms L1516V, L1613V, L1614V.
Identifiers: ClinVar variation 3225671 (VCV003225671.1), dbSNP rs753017550, ClinGen allele CA352155453.